The following is an entry in ClinVar:

ClinVar aggregate classification (germline): Uncertain significance. Review status: criteria provided, multiple submitters, no conflicts (2 of 4 stars). 2 submissions from 2 submitters: Uncertain significance (2). Last evaluated 2025-04-23.

Conditions:
Inborn genetic diseases. Identifiers: MedGen C0950123, MeSH D030342.
Anophthalmia-microphthalmia syndrome. Also called: Anophthalmia/Microphthalmia; Anophthalmia - microphthalmia. Identifiers: Orphanet 98555, MedGen C5680330, MONDO:0020147.

Allele frequency attached by ClinVar (database versions not stated): ExAC 0.00001; TOPMed 0.00004; ESP Exome Variant Server 0.00008.
gnomAD v4.1: 5 of 1,613,812 alleles (0.00031%); highest among the groups gnomAD compares: African/African-American, 0.0067%; no homozygotes.

Submissions (2):

Labcorp Genetics (formerly Invitae), Labcorp
Classification: Uncertain significance for Anophthalmia-microphthalmia syndrome. Last evaluated: 2025-04-23. Review status: criteria provided, single submitter. Criteria: Invitae Variant Classification Sherloc (09022015). Collection method: clinical testing. Allele origin: germline.
Comment: This sequence change replaces proline, which is neutral and non-polar, with alanine, which is neutral and non-polar, at codon 35 of the OTX2 protein (p.Pro35Ala). This variant is present in population databases (rs374042850, gnomAD 0.01%). This variant has not been reported in the literature in individuals affected with OTX2-related conditions. ClinVar contains an entry for this variant (Variation ID: 1014588). An algorithm developed to predict the effect of missense changes on protein structure and function (PolyPhen-2) suggests that this variant is likely to be tolerated. In summary, the available evidence is currently insufficient to determine the role of this variant in disease. Therefore, it has been classified as a Variant of Uncertain Significance.

Ambry Genetics
Classification: Uncertain significance for Inborn genetic diseases. Last evaluated: 2024-01-16. Review status: criteria provided, single submitter. Criteria: Ambry Variant Classification Scheme 2023. Collection method: clinical testing. Allele origin: germline.

NM_021728.4(OTX2):c.127C>G (p.Pro43Ala)

Gene: OTX2 (orthodenticle homeobox 2; minus strand). Cytogenetic location: 14q22.3.
Variant type: single nucleotide variant.
Coding change: c.127C>G on transcript NM_021728.4 (MANE Select); coding-DNA position 127, C replaced by G.
Protein change: p.Pro43Ala; replaces proline 43 with alanine.
Molecular consequence: missense variant.
Genome position (GRCh38, 1-based): chr14:56,804,334, G>C on the plus strand (C>G on the coding strand, the complement: OTX2 is on the minus strand). VCF-style: chr14-56804334-G-C. GRCh37 (hg19) VCF-style: chr14-57271052-G-C.
Other names: c.103C>G, p.Pro35Ala (NM_001270523.2, NM_001270524.2, NM_172337.3); c.127C>G, p.Pro43Ala (NM_001270525.2); c.103C>G (NM_172337.1); short protein forms P35A, P43A.
Identifiers: ClinVar variation 1014588 (VCV001014588.12), dbSNP rs374042850, ClinGen allele CA7200546.